The following is an entry in ClinVar:

NM_001267550.2(TTN):c.7061G>A (p.Arg2354His)

Genes: TTN (titin; minus strand), LOC126806433 (BRD4-independent group 4 enhancer GRCh37_chr2:179638309-179639508; plus strand). Cytogenetic location: 2q31.2.
Variant type: single nucleotide variant.
Coding change: c.7061G>A on transcript NM_001267550.2 (MANE Select); coding-DNA position 7061, G replaced by A.
Protein change: p.Arg2354His; replaces arginine 2354 with histidine.
Molecular consequence: missense variant.
Genome position (GRCh38, 1-based): chr2:178,774,107, C>T on the plus strand (G>A on the coding strand, the complement: TTN is on the minus strand). VCF-style: chr2-178774107-C-T. GRCh37 (hg19) VCF-style: chr2-179638834-C-T.
Other names: p.R2354H:CGC>CAC; c.7061G>A, p.Arg2354His (NM_001256850.1, NM_133378.4, NM_133379.5); c.6923G>A, p.Arg2308His (NM_003319.4, NM_133432.3, NM_133437.4); short protein forms R2354H, R2308H.
Identifiers: ClinVar variation 47365 (VCV000047365.66), dbSNP rs75031300, ClinGen allele CA283801.
Genomic context (GRCh38, chr2:178,774,107, plus strand): 5'-TGAACAATGTCACCCTCACAGACTTTTTGGTCACTAAGTCCTTGTAGGATAGCAATGGGG[C>T]GGGCTGTGAAATATGGGGAGAAAAAGAATGTTATGATCATTTTTTATCAATAAACCATAA-3'
Protein context (NP_001254479.2, residues 2344-2364): KTTCKLKMKP[Arg2354His]PIAILQGLSD

ClinVar aggregate classification (germline): Conflicting classifications of pathogenicity. Review status: criteria provided, conflicting classifications (1 of 4 stars). 21 submissions from 17 submitters: Uncertain significance (1); Benign (10); Likely benign (6). 4 of the submissions do not count toward it. Last evaluated 2026-07-01.

Conditions:
Dilated cardiomyopathy 1G (CMD1G). Identifiers: Orphanet 154, MedGen C1858763, MONDO:0011400, OMIM 604145.
Autosomal recessive limb-girdle muscular dystrophy type 2J (LGMDR10). Also called: MUSCULAR DYSTROPHY, LIMB-GIRDLE, AUTOSOMAL RECESSIVE 10; Limb-girdle muscular dystrophy, type 2J. Identifiers: Orphanet 140922, MedGen C1837342, MONDO:0012127, OMIM 608807.
Cardiovascular phenotype. Identifiers: MedGen CN230736.
Cardiomyopathy (CMYO). Also called: Cardiomyopathies. Identifiers: Orphanet 167848, MedGen C0878544, MONDO:0004994, HP:0001638. Inheritance: Various modes of inheritance.
Early-onset myopathy with fatal cardiomyopathy (CMYO5). Also called: CONGENITAL MYOPATHY 5 WITH CARDIOMYOPATHY; Salih Myopathy. Identifiers: Orphanet 289377, MedGen C2673677, MONDO:0012714, OMIM 611705. Disease mechanism: loss of function.
Myopathy, myofibrillar, 9, with early respiratory failure (MFM9). Also called: Myopathy, distal, with early respiratory failure, autosomal dominant; Hereditary myopathy with early respiratory failure; MYOPATHY, PROXIMAL, WITH EARLY RESPIRATORY MUSCLE INVOLVEMENT; EDSTROM MYOPATHY. Identifiers: Orphanet 178464, Orphanet 34521, MedGen C1863599, MONDO:0011362, OMIM 603689.
Tibial muscular dystrophy (TMD). Also called: Udd Distal Myopathy – Tibial Muscular Dystrophy; Tibial muscular dystrophy, tardive; UDD MYOPATHY. Identifiers: Orphanet 609, MedGen C1838244, MONDO:0010870, OMIM 600334.

Allele frequency attached by ClinVar (database versions not stated): gnomAD exomes 0.00074 and 0.00030; 1000 Genomes Project 0.00280; ExAC 0.00091; gnomAD 0.00287 and 0.00262; 1000 Genomes Project 30x 0.00297; TOPMed 0.00316; ESP Exome Variant Server 0.00331.

Submissions (21):

CeGaT Center for Human Genetics Tuebingen
Classification: Likely benign. Last evaluated: 2026-07-01. Review status: criteria provided, single submitter. Criteria: CeGaT Center For Human Genetics Tuebingen Variant Classification Criteria Version 2. Collection method: clinical testing. Allele origin: germline. Affected: yes. Observed: 6 variant alleles.
Comment: TTN: BS2

Labcorp Genetics (formerly Invitae), Labcorp
Classification: Benign for Dilated cardiomyopathy 1G; Autosomal recessive limb-girdle muscular dystrophy type 2J. Last evaluated: 2026-02-01. Review status: criteria provided, single submitter. Criteria: Invitae Variant Classification Sherloc (09022015). Collection method: clinical testing. Allele origin: germline.

Molecular Diagnostic Laboratory for Inherited Cardiovascular Disease, Montreal Heart Institute
Classification: Likely benign. Last evaluated: 2025-04-09. Review status: criteria provided, single submitter. Criteria: ACMG Guidelines, 2015. Collection method: clinical testing. Allele origin: germline. Affected: no.

Mayo Clinic Laboratories, Mayo Clinic
Classification: Benign. Last evaluated: 2025-03-25. Review status: criteria provided, single submitter. Criteria: ACMG Guidelines, 2015. Collection method: clinical testing. Allele origin: germline. Observed: 5 variant alleles.
Comment: BS1, BS2

Blueprint Genetics
Classification: Likely benign. Last evaluated: 2024-10-24. Review status: criteria provided, single submitter. Criteria: ACMG Guidelines, 2015. Collection method: clinical testing. Allele origin: germline.

ARUP Laboratories, Molecular Genetics and Genomics, ARUP Laboratories
Classification: Benign. Last evaluated: 2024-07-29. Review status: criteria provided, single submitter. Criteria: ARUP Molecular Germline Variant Investigation Process 2024. Collection method: clinical testing. Allele origin: germline.

Women's Health and Genetics/Laboratory Corporation of America, LabCorp
Classification: Benign. Last evaluated: 2021-03-01. Review status: criteria provided, single submitter. Criteria: LabCorp Variant Classification Summary - May 2015. Collection method: clinical testing. Allele origin: germline.
Comment: Variant summary: TTN c.7061G>A (p.Arg2354His) results in a non-conservative amino acid change located in the I-band domain of the encoded protein sequence. Four of five in-silico tools predict a damaging effect of the variant on protein function. The variant allele was found at a frequency of 0.00091 in 281568 control chromosomes, predominantly at a frequency of 0.0092 within the African or African-American subpopulation in the gnomAD database, including 2 homozygotes. The observed variant frequency within African or African-American control individuals in the gnomAD database is approximately 24 fold of the estimated maximal expected allele frequency for a pathogenic variant in TTN causing Dilated Cardiomyopathy phenotype (0.00039), strongly suggesting that the variant is a benign polymorphism found primarily in populations of African or African-American origin. To our knowledge, no experimental evidence demonstrating its impact on protein function have been reported. Seven ClinVar submitters (evaluation after 2014) cite the variant as uncertain significance (n=1) and likely benign (n=3) and benign (n=3). Based on the evidence outlined above, the variant was classified as benign.

Illumina Laboratory Services, Illumina
Classification: Benign for Dilated cardiomyopathy 1G. Last evaluated: 2017-10-11. Review status: criteria provided, single submitter. Criteria: ICSL Variant Classification Criteria 13 December 2019. Collection method: clinical testing. Allele origin: germline.
Comment: This variant was observed as part of a predisposition screen in an ostensibly healthy population. A literature search was performed for the gene, cDNA change, and amino acid change (where applicable). No publications were found based on this search. Allele frequency data from public databases was too high to be consistent with this variant causing disease. Therefore, this variant is classified as benign.

Illumina Laboratory Services, Illumina
Classification: Benign for Myopathy, myofibrillar, 9, with early respiratory failure. Last evaluated: 2017-10-11. Review status: criteria provided, single submitter. Criteria: ICSL Variant Classification Criteria 13 December 2019. Collection method: clinical testing. Allele origin: germline.
Comment: the same text as in the submission from Illumina Laboratory Services, Illumina above.

Illumina Laboratory Services, Illumina
Classification: Benign for Tibial muscular dystrophy. Last evaluated: 2017-10-11. Review status: criteria provided, single submitter. Criteria: ICSL Variant Classification Criteria 13 December 2019. Collection method: clinical testing. Allele origin: germline.
Comment: the same text as in the submission from Illumina Laboratory Services, Illumina above.

Illumina Laboratory Services, Illumina
Classification: Likely benign for Early-onset myopathy with fatal cardiomyopathy. Last evaluated: 2017-10-11. Review status: criteria provided, single submitter. Criteria: ICSL Variant Classification Criteria 13 December 2019. Collection method: clinical testing. Allele origin: germline.
Comment: This variant was observed as part of a predisposition screen in an ostensibly healthy population. A literature search was performed for the gene, cDNA change, and amino acid change (where applicable). No publications were found based on this search. Allele frequency data from public databases allowed determination this variant is unlikely to cause disease. Therefore, this variant is classified as likely benign.

CHEO Genetics Diagnostic Laboratory, Children's Hospital of Eastern Ontario
Classification: Likely benign for Cardiomyopathy. Last evaluated: 2017-09-13. Review status: criteria provided, single submitter. Criteria: ACMG Guidelines, 2015. Collection method: clinical testing. Allele origin: germline. Study: Canadian Open Genetics Repository.

Illumina Laboratory Services, Illumina
Classification: Uncertain significance for Autosomal recessive limb-girdle muscular dystrophy type 2J. Last evaluated: 2017-04-28. Review status: criteria provided, single submitter. Criteria: ICSL Variant Classification Criteria 13 December 2019. Collection method: clinical testing. Allele origin: germline.

Eurofins Ntd Llc (ga)
Classification: Benign. Last evaluated: 2015-07-14. Review status: criteria provided, single submitter. Criteria: EGL Classification Definitions 2015. Collection method: clinical testing. Allele origin: germline. Observed: 1 variant allele, 1 heterozygote.

GeneDx
Classification: Benign. Last evaluated: 2014-11-05. Review status: criteria provided, single submitter. Criteria: GeneDx Variant Classification (06012015). Collection method: clinical testing. Allele origin: germline. Affected: yes.
Comment: This variant is considered likely benign or benign based on one or more of the following criteria: it is a conservative change, it occurs at a poorly conserved position in the protein, it is predicted to be benign by multiple in silico algorithms, and/or has population frequency not consistent with disease.

Ambry Genetics
Classification: Likely benign for Cardiovascular phenotype. Last evaluated: 2013-06-11. Review status: criteria provided, single submitter. Criteria: Ambry Autosomal Dominant and X-Linked criteria (10/2015). Collection method: clinical testing. Allele origin: germline. Observed: 1 variant allele.

Laboratory for Molecular Medicine, Mass General Brigham Personalized Medicine
Classification: Benign. Last evaluated: 2012-02-09. Review status: criteria provided, single submitter. Criteria: LMM Criteria. Collection method: clinical testing. Allele origin: germline. Observed: 10 variant alleles.
Comment: T=38/C=3700 of AA chromosomes (NHLBI/ESP)

Clinical Genetics DNA and cytogenetics Diagnostics Lab, Erasmus MC, Erasmus Medical Center
Classification: Benign. Review status: no assertion criteria provided. Collection method: clinical testing. Allele origin: germline. Affected: yes. Study: VKGL Data-share Consensus. Not counted in ClinVar's aggregate classification.

Clinical Genetics, Academic Medical Center
Classification: Benign. Review status: no assertion criteria provided. Collection method: clinical testing. Allele origin: germline. Affected: yes. Study: VKGL Data-share Consensus. Not counted in ClinVar's aggregate classification.

Genome Diagnostics Laboratory, University Medical Center Utrecht
Classification: Benign. Review status: no assertion criteria provided. Collection method: clinical testing. Allele origin: germline. Affected: yes. Study: VKGL Data-share Consensus. Not counted in ClinVar's aggregate classification.

Joint Genome Diagnostic Labs from Nijmegen and Maastricht, Radboudumc and MUMC+
Classification: Likely benign. Review status: no assertion criteria provided. Collection method: clinical testing. Allele origin: germline. Affected: yes. Study: VKGL Data-share Consensus. Not counted in ClinVar's aggregate classification.